The following is an entry in ClinVar:

NM_004991.4(MECOM):c.2423G>T (p.Arg808Ile)

Gene: MECOM (MDS1 and EVI1 complex locus; minus strand). Cytogenetic location: 3q26.2.
Variant type: single nucleotide variant.
Coding change: c.2423G>T on transcript NM_004991.4 (MANE Select); coding-DNA position 2423, G replaced by T.
Protein change: p.Arg808Ile; replaces arginine 808 with isoleucine.
Molecular consequence: missense variant.
Genome position (GRCh38, 1-based): chr3:169,115,449, C>A on the plus strand (G>T on the coding strand, the complement: MECOM is on the minus strand). VCF-style: chr3-169115449-C-A. GRCh37 (hg19) VCF-style: chr3-168833237-C-A.
Other names: c.2054G>T, p.Arg685Ile (NM_001105077.4); c.1859G>T, p.Arg620Ile (NM_001105078.4, NM_001164000.2, NM_001205194.2 and 4 more transcripts); c.1862G>T, p.Arg621Ile (NM_001163999.2, NM_001366467.2, NM_001366468.2 and 1 more transcripts); c.2423G>T, p.Arg808Ile (NM_001366466.2); c.1451G>T, p.Arg484Ile (NM_001366473.2); c.887G>T, p.Arg296Ile (NM_001366474.2); short protein forms R685I, R296I, R620I, R621I, R484I, R808I.
Identifiers: ClinVar variation 4053194 (VCV004053194.1).

ClinVar aggregate classification (germline): Uncertain significance (1 of 4 stars; one submission).

Conditions:
Inborn genetic diseases. Identifiers: MedGen C0950123, MeSH D030342.

Submission:

Ambry Genetics
Classification: Uncertain significance for Inborn genetic diseases. Last evaluated: 2025-04-17. Review status: criteria provided, single submitter. Criteria: Ambry Variant Classification Scheme 2023. Collection method: clinical testing. Allele origin: germline.
Comment: The p.R808I variant (also known as c.2423G>T), located in coding exon 8 of the MECOM gene, results from a G to T substitution at nucleotide position 2423. The arginine at codon 808 is replaced by isoleucine, an amino acid with similar properties. This amino acid position is conserved. In addition, this alteration is predicted to be tolerated by in silico analysis. Based on the available evidence, the clinical significance of this variant remains unclear.